The following is an entry in ClinVar:

ClinVar aggregate classification (germline): Pathogenic (1 of 4 stars; one submission).

Conditions:
Pyruvate dehydrogenase E3 deficiency (DLDD). Also called: Dihydrolipoamide Dehydrogenase (E3) Deficiency; DLD DEFICIENCY; E3 DEFICIENCY; Dihydrolipoamide Dehydrogenase E3 Deficiency; MAPLE SYRUP URINE DISEASE, TYPE III; Lipoamide dehydrogenase deficiency, lactic acidosis due to. Identifiers: Orphanet 2394, Orphanet 765, MedGen C5574660, MONDO:0009529, OMIM 246900.

Submission:

Myriad Genetics, Inc.
Classification: Pathogenic for Pyruvate dehydrogenase E3 deficiency. Last evaluated: 2025-03-15. Review status: criteria provided, single submitter. Criteria: Myriad Autosomal Dominant, Autosomal Recessive and X-Linked Classification Criteria (2023). Collection method: clinical testing. Allele origin: unknown.
Comment: NM_000108.3(DLD):c.98_99insT(R33Sfs*9) is expected to be pathogenic in the context of dihydrolipoamide dehydrogenase deficiency. This variant is predicted to lead to an abnormal or absent protein product due to the creation of a premature termination codon in DLD, a gene where loss-of-function variants are known to be pathogenic. Please note: this variant was assessed in the context of healthy population screening.

NM_000108.5(DLD):c.98_99insT (p.Arg33fs)

Gene: DLD (dihydrolipoamide dehydrogenase; plus strand). Cytogenetic location: 7q31.1.
Variant type: Insertion.
Coding change: c.98_99insT on transcript NM_000108.5 (MANE Select); coding-DNA positions 98 to 99, T inserted.
Protein change: p.Arg33fs; shifts the reading frame from arginine 33.
Molecular consequence: frameshift variant. On other transcripts: 5 prime UTR variant (1).
Genome position: GRCh38 VCF-style: chr7-107893258-G-GT. GRCh37 (hg19) VCF-style: chr7-107533703-G-GT.
Other names: c.-51_-50insT (NM_001289750.1); c.98_99insT, p.Arg33fs (NM_001289751.1, NM_001289752.1); short protein forms R33fs.
Identifiers: ClinVar variation 5014223 (VCV005014223.1).
Genomic context (GRCh38, chr7:107,893,258, plus strand): 5'-AGAGAGGCCATTTCAATCGAATATCTCATGGCCTACAGGGACTTTCTGCAGTGCCTCTGA[G>GT]AACTTACGCAGATCAGCCGAGTAAGTACTTAAGTAAAACATTTTTTTCATCACATTAGCT-3'